The following is an entry in ClinVar:

NM_004959.5(NR5A1):c.614dup (p.Gln206fs)

Gene: NR5A1 (nuclear receptor subfamily 5 group A member 1; minus strand). Cytogenetic location: 9q33.3.
Variant type: Duplication.
Coding change: c.614dup on transcript NM_004959.5 (MANE Select); coding-DNA position 614, one base duplicated (C; older notation c.614dupC).
Protein change: p.Gln206fs; shifts the reading frame from glutamine 206.
Molecular consequence: frameshift variant.
Genome position (GRCh38, 1-based): chr9:124,500,346, G duplicated on the plus strand (C on the coding strand, the reverse complement: NR5A1 is on the minus strand); the first of 6 consecutive G bases (chr9:124,500,346-124,500,351); duplicating any one gives the same sequence. VCF-style (leftmost placement, unchanged base first): chr9-124500345-T-TG. GRCh37 (hg19) VCF-style: chr9-127262624-T-TG.
Other names: short protein forms Q206fs.
Identifiers: ClinVar variation 2443198 (VCV002443198.2), dbSNP rs1234904066, ClinGen allele CA590936670.

ClinVar aggregate classification (germline): Likely pathogenic (0 of 4 stars; one submission).

Submission:

Genetic Services Laboratory, University of Chicago
Classification: Likely pathogenic. Last evaluated: 2022-12-01. Review status: no assertion criteria provided. Collection method: clinical testing. Allele origin: germline. Affected: yes.
Comment: DNA sequence analysis of the NR5A1 gene demonstrated a single base pair duplication in exon 4, c.614dup. This sequence change results in an amino acid frameshift and creates a premature stop codon 19 amino acids downstream of the change, p.Gln206Thrfs*20. This sequence change is predicted to result in an abnormal transcript, which may be degraded, or may lead to the production of a truncated NR5A1protein with potentially abnormal function. This duplication has been previously described in individuals with NR5A1-related 46,XY disorders of sex development (DSD) (PMID: 22549935, 33202802, 30425642); at least in one individual in a de novo state. The c.614dup sequence change has not been described in population databases such as ExAC and gnomAD (dbSNP rs1234904066). This sequence change is likely pathogenic, however functional studies have not been performed to prove this conclusively.